The following is an entry in ClinVar:

ClinVar aggregate classification (germline): Uncertain significance (1 of 4 stars; one submission).

Conditions:
Familial intrahepatic cholestasis. Identifiers: Orphanet 284385, MedGen CN296401, MONDO:0017290.

Submission:

Genomenon, Inc
Classification: Uncertain significance for Familial intrahepatic cholestasis. Last evaluated: 2026-04-14. Review status: criteria provided, single submitter. Criteria: Genomenon Sequence Variant Interpretation Standards - Updated. Collection method: curation. Allele origin: germline. Affected: yes.
Comment: ABCB4 p.Pro551Leu (c.1652C>T) is a missense variant that changes the amino acid at residue 551 from Proline to Leucine. This variant has been observed in at least one proband with an ABCB4-related disorder (PMID:34828443). It is absent or not present at a significant frequency in gnomAD. In silico models predict that this variant is possibly or probably damaging. In conclusion, we classify ABCB4 p.Pro551Leu (c.1652C>T) as a variant of uncertain significance.

Literature cited by the submitters: PubMed 34828443.

NM_000443.4(ABCB4):c.1652C>T (p.Pro551Leu)

Gene: ABCB4 (ATP binding cassette subfamily B member 4; minus strand). Cytogenetic location: 7q21.12.
Variant type: single nucleotide variant.
Coding change: c.1652C>T on transcript NM_000443.4 (MANE Select); coding-DNA position 1652, C replaced by T.
Protein change: p.Pro551Leu; replaces proline 551 with leucine.
Molecular consequence: missense variant.
Genome position (GRCh38, 1-based): chr7:87,439,746, G>A on the plus strand (C>T on the coding strand, the complement: ABCB4 is on the minus strand). VCF-style: chr7-87439746-G-A. GRCh37 (hg19) VCF-style: chr7-87069062-G-A.
Other names: c.1652C>T, p.Pro551Leu (NM_018849.3, NM_018850.3); short protein forms P551L.
Identifiers: ClinVar variation 4846569 (VCV004846569.1).
Genomic context (GRCh38, chr7:87,439,746, plus strand): 5'-ACCTCAGCTTCACTTTCTGTGTCCAATGCTGACGTGGCCTCATCCAGCAGAAGGATCTTG[G>A]GGTTGCGAACCAGGGCACGTGCAATGGCGATCCTCTGCTTCTGCCCACCACTCAGCTGGG-3'
Protein context (NP_000434.1, residues 541-561): IAIARALVRN[Pro551Leu]KILLLDEATS